The following is an entry in ClinVar:

NM_000393.5(COL5A2):c.292C>T (p.Gln98Ter)

Gene: COL5A2 (collagen type V alpha 2 chain; minus strand). Cytogenetic location: 2q32.2.
Variant type: single nucleotide variant.
Coding change: c.292C>T on transcript NM_000393.5 (MANE Select); coding-DNA position 292, C replaced by T.
Protein change: p.Gln98Ter; replaces glutamine 98 with a stop codon.
Molecular consequence: nonsense.
Genome position (GRCh38, 1-based): chr2:189,110,255, G>A on the plus strand (C>T on the coding strand, the complement: COL5A2 is on the minus strand). VCF-style: chr2-189110255-G-A. GRCh37 (hg19) VCF-style: chr2-189974981-G-A.
Other names: short protein forms Q98*.
Identifiers: ClinVar variation 1307522 (VCV001307522.2), dbSNP rs2105711947, ClinGen allele CA349867437.

ClinVar aggregate classification (germline): Uncertain significance (1 of 4 stars; one submission).

Submission:

GeneDx
Classification: Uncertain significance. Last evaluated: 2019-08-15. Review status: criteria provided, single submitter. Criteria: GeneDx Variant Classification Process June 2021. Collection method: clinical testing. Allele origin: germline. Affected: yes.
Comment: Not observed in large population cohorts (Lek et al., 2016); Nonsense variant predicted to result in protein truncation or nonsense mediated decay in a gene for which loss-of-function is not a known mechanism of disease; Has not been previously published as pathogenic or benign to our knowledge